The following is an entry in ClinVar:

NM_152594.3(SPRED1):c.896A>C (p.Glu299Ala)

Gene: SPRED1 (sprouty related EVH1 domain containing 1; plus strand). Cytogenetic location: 15q14.
Variant type: single nucleotide variant.
Coding change: c.896A>C on transcript NM_152594.3 (MANE Select); coding-DNA position 896, A replaced by C.
Protein change: p.Glu299Ala; replaces glutamic acid 299 with alanine.
Molecular consequence: missense variant.
Genome position (GRCh38, 1-based): chr15:38,351,225, A>C. VCF-style: chr15-38351225-A-C. GRCh37 (hg19) VCF-style: chr15-38643426-A-C.
Other names: c.896A>C (NM_152594.2); short protein forms E299A.
Identifiers: ClinVar variation 2436318 (VCV002436318.4), dbSNP rs2542742966, ClinGen allele CA391933493.

ClinVar aggregate classification (germline): Uncertain significance. Review status: criteria provided, multiple submitters, no conflicts (2 of 4 stars). 2 submissions from 2 submitters: Uncertain significance (2). Last evaluated 2025-08-22.

Conditions:
Cardiovascular phenotype. Identifiers: MedGen CN230736.
Legius syndrome. Identifiers: Orphanet 137605, MedGen C1969623, MONDO:0012669, OMIM 611431. Disease mechanism: loss of function.

Submissions (2):

Ambry Genetics
Classification: Uncertain significance for Cardiovascular phenotype. Last evaluated: 2025-08-22. Review status: criteria provided, single submitter. Criteria: Ambry Variant Classification Scheme 2023. Collection method: clinical testing. Allele origin: germline.
Comment: The p.E299A variant (also known as c.896A>C), located in coding exon 7 of the SPRED1 gene, results from an A to C substitution at nucleotide position 896. The glutamic acid at codon 299 is replaced by alanine, an amino acid with dissimilar properties. This amino acid position is conserved. In addition, this alteration is predicted to be tolerated by in silico analysis. Based on the available evidence, the clinical significance of this variant remains unclear.

Revvity Omics, Revvity
Classification: Uncertain significance for Legius syndrome. Last evaluated: 2022-01-11. Review status: criteria provided, single submitter. Criteria: ACMG Guidelines, 2015. Collection method: clinical testing. Allele origin: germline.